The following is an entry in ClinVar:

ClinVar aggregate classification (germline): Pathogenic (1 of 4 stars; one submission).

Conditions:
Hajdu-Cheney syndrome (HJCYS). Also called: Acroosteolysis dominant type; SERPENTINE FIBULA-POLYCYSTIC KIDNEY SYNDROME; ACROOSTEOLYSIS WITH OSTEOPOROSIS AND CHANGES IN SKULL AND MANDIBLE. Identifiers: Orphanet 955, MedGen C0917715, MONDO:0007057, OMIM 102500.

Submission:

Institute for Medical Genetics and Human Genetics, Charité - Universitätsmedizin Berlin
Classification: Pathogenic for Hajdu-Cheney syndrome. Review status: criteria provided, single submitter. Criteria: ACMG Guidelines, 2015. Collection method: clinical testing. Allele origin: de novo. Inheritance: Autosomal dominant inheritance. Affected: yes. Observed: 1 heterozygote.
Comment: The sequence variant probably leads to a shift in the reading frame and to the premature termination of protein biosynthesis at the protein level. The sequence variant is not listed in the population database gnomAD. Similar de novo sequence variants have already been described several times in connection with the autosomal dominant inherited Hajdu-Cheney syndrome (Simpson et al. 2011, Majewski et al. 2011). The clinical abnormalities can be variable and include acroosteolysis, osteoporosis, malformation, cleft palate, micrognathia, hydrocephalus, hepatosplenomegaly, hearing impairment, congenital heart defects, cystic kidneys, platybasia, basilar invagination, cryptorchidism and joint hypermobility. Characteristic facial features include Synophris, low set ears, midface hypoplasia, long philtrum, hypertelorism and sloping eyelid axes. According to the current state of knowledge, we classify the sequence variant as pathogenic according to the ACMG criteria (class V).

NM_024408.4(NOTCH2):c.7090del (p.Gln2364fs)

Gene: NOTCH2 (notch receptor 2; minus strand). Cytogenetic location: 1p12.
Variant type: Deletion.
Coding change: c.7090del on transcript NM_024408.4 (MANE Select); coding-DNA position 7090, one base deleted (C; older notation c.7090delC).
Protein change: p.Gln2364fs; shifts the reading frame from glutamine 2364.
Molecular consequence: frameshift variant.
Genome position (GRCh38, 1-based): chr1:119,915,632, G deleted on the plus strand (C on the coding strand, the reverse complement: NOTCH2 is on the minus strand). VCF-style (leftmost placement, unchanged base first): chr1-119915631-TG-T. GRCh37 (hg19) VCF-style: chr1-120458254-TG-T.
Other names: c.7090delC (NM_024408.4); short protein forms Q2364fs.
Identifiers: ClinVar variation 973762 (VCV000973762.2), dbSNP rs1649037695, ClinGen allele CA1139656285.